The following is an entry in ClinVar:

ClinVar aggregate classification (germline): Conflicting classifications of pathogenicity. Review status: criteria provided, conflicting classifications (1 of 4 stars). 3 submissions from 3 submitters: Uncertain significance (1); Likely benign (2). Last evaluated 2026-01-29.

Conditions:
Hajdu-Cheney syndrome (HJCYS). Also called: ACROOSTEOLYSIS WITH OSTEOPOROSIS AND CHANGES IN SKULL AND MANDIBLE; SERPENTINE FIBULA-POLYCYSTIC KIDNEY SYNDROME; Acroosteolysis dominant type. Identifiers: Orphanet 955, MedGen C0917715, MONDO:0007057, OMIM 102500.

Allele frequency attached by ClinVar (database versions not stated): gnomAD 0.00001; TOPMed 0.00004; ESP Exome Variant Server 0.00008; gnomAD exomes 0.00008 and 0.00009; ExAC 0.00013.
gnomAD v4.1: 127 of 1,613,996 alleles (0.0079%); highest among the groups gnomAD compares: Non-Finnish European, 0.01%; no homozygotes.

Submissions (3):

Labcorp Genetics (formerly Invitae), Labcorp
Classification: Likely benign for Hajdu-Cheney syndrome. Last evaluated: 2026-01-29. Review status: criteria provided, single submitter. Criteria: Invitae Variant Classification Sherloc (09022015). Collection method: clinical testing. Allele origin: germline.

Blueprint Genetics
Classification: Likely benign. Last evaluated: 2024-08-16. Review status: criteria provided, single submitter. Criteria: ACMG Guidelines, 2015. Collection method: clinical testing. Allele origin: germline.

Mayo Clinic Laboratories, Mayo Clinic
Classification: Uncertain significance. Last evaluated: 2024-07-31. Review status: criteria provided, single submitter. Criteria: ACMG Guidelines, 2015. Collection method: clinical testing. Allele origin: germline. Observed: 3 variant alleles.
Comment: BP4

Literature cited by the submitters: PubMed 22662265 (cited by Mayo Clinic Laboratories, Mayo Clinic); PubMed 33336462 (cited by Mayo Clinic Laboratories, Mayo Clinic).

NM_024408.4(NOTCH2):c.4228C>T (p.Arg1410Cys)

Gene: NOTCH2 (notch receptor 2; minus strand). Cytogenetic location: 1p12.
Variant type: single nucleotide variant.
Coding change: c.4228C>T on transcript NM_024408.4 (MANE Select); coding-DNA position 4228, C replaced by T.
Protein change: p.Arg1410Cys; replaces arginine 1410 with cysteine.
Molecular consequence: missense variant.
Genome position (GRCh38, 1-based): chr1:119,925,588, G>A on the plus strand (C>T on the coding strand, the complement: NOTCH2 is on the minus strand). VCF-style: chr1-119925588-G-A. GRCh37 (hg19) VCF-style: chr1-120468211-G-A.
Other names: p.Arg1410Cys; short protein forms R1410C.
Identifiers: ClinVar variation 1629811 (VCV001629811.10), dbSNP rs145799900, ClinGen allele CA1039893.